The following is an entry in ClinVar:

ClinVar aggregate classification (germline): Uncertain significance. Review status: criteria provided, multiple submitters, no conflicts (2 of 4 stars). 2 submissions from 2 submitters: Uncertain significance (2). Last evaluated 2024-11-15.

Conditions:
Emery-Dreifuss muscular dystrophy 5, autosomal dominant (EDMD5). Also called: EMERY-DREIFUSS MUSCULAR DYSTROPHY 5. Identifiers: Orphanet 261, MedGen C2751805, MONDO:0013072, OMIM 612999.

Allele frequency attached by ClinVar (database versions not stated): TOPMed 0.00001; gnomAD 0.00002.
gnomAD v4.1: 86 of 1,614,010 alleles (0.0053%); highest among the groups gnomAD compares: African/African-American, 0.0067%; 1 homozygote.

Submissions (2):

Labcorp Genetics (formerly Invitae), Labcorp
Classification: Uncertain significance for Emery-Dreifuss muscular dystrophy 5, autosomal dominant. Last evaluated: 2024-11-15. Review status: criteria provided, single submitter. Criteria: Invitae Variant Classification Sherloc (09022015). Collection method: clinical testing. Allele origin: germline.
Comment: This sequence change replaces tyrosine, which is neutral and polar, with cysteine, which is neutral and slightly polar, at codon 5651 of the SYNE2 protein (p.Tyr5651Cys). This variant is present in population databases (rs749207196, gnomAD 0.008%). This variant has not been reported in the literature in individuals affected with SYNE2-related conditions. ClinVar contains an entry for this variant (Variation ID: 2601445). An algorithm developed to predict the effect of missense changes on protein structure and function (PolyPhen-2) suggests that this variant is likely to be disruptive. In summary, the available evidence is currently insufficient to determine the role of this variant in disease. Therefore, it has been classified as a Variant of Uncertain Significance.

Ambry Genetics
Classification: Uncertain significance. Last evaluated: 2023-08-08. Review status: criteria provided, single submitter. Criteria: Ambry Variant Classification Scheme 2023. Collection method: clinical testing. Allele origin: germline.

NM_182914.3(SYNE2):c.16952A>G (p.Tyr5651Cys)

Gene: SYNE2 (spectrin repeat containing nuclear envelope protein 2; plus strand). Cytogenetic location: 14q23.2.
Variant type: single nucleotide variant.
Coding change: c.16952A>G on transcript NM_182914.3 (MANE Select); coding-DNA position 16952, A replaced by G.
Protein change: p.Tyr5651Cys; replaces tyrosine 5651 with cysteine.
Molecular consequence: missense variant.
Genome position (GRCh38, 1-based): chr14:64,168,923, A>G. VCF-style: chr14-64168923-A-G. GRCh37 (hg19) VCF-style: chr14-64635641-A-G.
Other names: c.16952A>G, p.Tyr5651Cys (NM_015180.6); short protein forms Y5651C.
Identifiers: ClinVar variation 2601445 (VCV002601445.4), dbSNP rs749207196, ClinGen allele CA7223548.